The following is an entry in ClinVar:

NM_000059.4(BRCA2):c.6154_6155del (p.Ser2052fs)

Gene: BRCA2 (BRCA2 DNA repair associated; plus strand). Cytogenetic location: 13q13.1.
Variant type: Deletion.
Coding change: c.6154_6155del on transcript NM_000059.4 (MANE Select); coding-DNA positions 6154 to 6155, 2 bases deleted (TC; older notation c.6154_6155delTC).
Protein change: p.Ser2052fs; shifts the reading frame from serine 2052.
Molecular consequence: frameshift variant. On other transcripts: non-coding transcript variant (1), intron variant (2).
Genome position (GRCh38, 1-based): chr13:32,340,509-32,340,510, TC deleted. VCF-style (leftmost placement, unchanged base first): chr13-32340508-TTC-T. GRCh37 (hg19) VCF-style: chr13-32914645-TTC-T.
Other names: c.6154_6155delTC (NM_000059.4); c.6154_6155del, p.Ser2052fs (NM_001406719.1, NM_001406720.1); c.1910-4049_1910-4048del (NM_001406721.1); c.425-4049_425-4048del (NM_001406722.1); short protein forms S2052fs.
Identifiers: ClinVar variation 2576468 (VCV002576468.3), dbSNP rs2548532689, ClinGen allele CA2580614700.

ClinVar aggregate classification (germline): Pathogenic. Review status: criteria provided, multiple submitters, no conflicts (2 of 4 stars). 2 submissions from 2 submitters: Pathogenic (2). Last evaluated 2025-03-04.

Conditions:
Breast-ovarian cancer, familial, susceptibility to, 2 (BROVCA2). Also called: BRCA2 Hereditary Breast and Ovarian Cancer. Identifiers: Orphanet 145, MedGen C2675520, MONDO:0012933, OMIM 612555. Disease mechanism: loss of function.

Submissions (2):

Center for Genomic Medicine, Rigshospitalet, Copenhagen University Hospital
Classification: Pathogenic. Last evaluated: 2025-03-04. Review status: criteria provided, single submitter. Criteria: ACMG Guidelines, 2015. Collection method: clinical testing. Allele origin: germline.

Department of Clinical Genetics, Copenhagen University Hospital, Rigshospitalet
Classification: Pathogenic for Breast-ovarian cancer, familial, susceptibility to, 2. Last evaluated: 2024-05-27. Review status: criteria provided, single submitter. Criteria: ACMG Guidelines, 2015. Collection method: clinical testing. Allele origin: germline. Affected: yes.
Comment: PVS1; PM2_supporting; PM5_PTC_Strong